The following is an entry in ClinVar:

NM_000059.4(BRCA2):c.5025TAG[1] (p.Ser1676del)

Gene: BRCA2 (BRCA2 DNA repair associated; plus strand). Cytogenetic location: 13q13.1.
Variant type: Microsatellite.
Coding change: c.5025TAG[1] on transcript NM_000059.4 (MANE Select); one copy of the 3-base unit TAG starting at c.5025; the reference has two copies in a row; one copy, 3 bases deleted.
Protein change: p.Ser1676del; deletes serine 1676.
Molecular consequence: inframe deletion.
Genome position (GRCh38, 1-based): chr13:32,339,383-32,339,385, TAG deleted; deleting any 3 consecutive bases within chr13:32,339,379-32,339,385 gives the same sequence; the position shown is the placement nearest the transcript's 3' end. VCF-style (leftmost placement, unchanged base first): chr13-32339378-TGTA-T. GRCh37 (hg19) VCF-style: chr13-32913515-TGTA-T.
Other names: 5256del3; c.5028_5030delTAG (NM_000059.3); short protein forms S1676del.
Identifiers: ClinVar variation 96814 (VCV000096814.19), dbSNP rs431825326, ClinGen allele CA021149.

ClinVar aggregate classification (germline): Uncertain significance. Review status: criteria provided, multiple submitters, no conflicts (2 of 4 stars). 6 submissions from 6 submitters: Uncertain significance (5). 1 of the submissions does not count toward it. Last evaluated 2025-05-13.

Conditions:
Hereditary cancer-predisposing syndrome. Also called: Hereditary Cancer Syndrome; Neoplastic Syndromes, Hereditary; Hereditary neoplastic syndrome; Tumor predisposition. Identifiers: Orphanet 140162, MedGen C0027672, MeSH D009386, MONDO:0015356.
Hereditary breast ovarian cancer syndrome. Also called: Breast and ovarian cancer; Hereditary breast and/or ovarian cancer syndrome; Hereditary breast and ovarian cancer; Hereditary breast and ovarian cancer syndrome; Hereditary breast and ovarian cancer syndrome (HBOC); BRCA1- and BRCA2-Associated Hereditary Breast and Ovarian Cancer. Identifiers: Orphanet 145, MedGen C0677776, MeSH D061325, MONDO:0003582. Disease mechanism: loss of function.
Breast-ovarian cancer, familial, susceptibility to, 2 (BROVCA2). Also called: BRCA2 Hereditary Breast and Ovarian Cancer. Identifiers: Orphanet 145, MedGen C2675520, MONDO:0012933, OMIM 612555. Disease mechanism: loss of function.

Submissions (6):

Labcorp Genetics (formerly Invitae), Labcorp
Classification: Uncertain significance for Hereditary breast ovarian cancer syndrome. Last evaluated: 2025-05-13. Review status: criteria provided, single submitter. Criteria: Invitae Variant Classification Sherloc (09022015). Collection method: clinical testing. Allele origin: germline.
Comment: This variant, c.5028_5030del, results in the deletion of 1 amino acid(s) of the BRCA2 protein (p.Ser1676del), but otherwise preserves the integrity of the reading frame. This variant is present in population databases (rs763123300, gnomAD 0.007%). This variant has not been reported in the literature in individuals affected with BRCA2-related conditions. This variant has been observed on the opposite chromosome (in trans) from a pathogenic variant in BRCA2 in at least one individual (internal data), which suggests that this variant may not be disease-causing. Experimental studies and prediction algorithms are not available or were not evaluated, and the functional significance of this variant is currently unknown. In summary, the available evidence is currently insufficient to determine the role of this variant in disease. Therefore, it has been classified as a Variant of Uncertain Significance.

Ambry Genetics
Classification: Uncertain significance for Hereditary cancer-predisposing syndrome. Last evaluated: 2024-11-14. Review status: criteria provided, single submitter. Criteria: Ambry Variant Classification Scheme 2023. Collection method: clinical testing. Allele origin: germline.
Comment: The c.5028_5030delTAG variant (also known as p.S1676del) is located in coding exon 10 of the BRCA2 gene. This variant results from an in-frame TAG deletion at nucleotide positions 5028 to 5030. This results in the in-frame deletion of a serine at codon 1676. This amino acid position is poorly conserved in available vertebrate species. In addition, this alteration is predicted to be deleterious by in silico analysis (Choi Y et al. PLoS ONE. 2012; 7(10):e46688). Based on the available evidence, the clinical significance of this variant remains unclear.

GeneDx
Classification: Uncertain significance. Last evaluated: 2023-03-03. Review status: criteria provided, single submitter. Criteria: GeneDx Variant Classification Process June 2021. Collection method: clinical testing. Allele origin: germline. Affected: yes.
Comment: Not observed at significant frequency in large population cohorts (gnomAD); In-frame deletion of 1 amino acids in a non-repeat region; In silico analysis supports a deleterious effect on protein structure/function; Has not been previously published as pathogenic or benign to our knowledge; Also known as 5256_5258delTAG; This variant is associated with the following publications: (PMID: 9002670, 22193408)

Color Diagnostics, LLC DBA Color Health
Classification: Uncertain significance for Hereditary cancer-predisposing syndrome. Last evaluated: 2019-05-03. Review status: criteria provided, single submitter. Criteria: ACMG Guidelines, 2015. Collection method: clinical testing. Allele origin: germline.

Quest Diagnostics Nichols Institute San Juan Capistrano
Classification: Uncertain significance. Last evaluated: 2018-01-11. Review status: criteria provided, single submitter. Criteria: Quest Diagnostics criteria. Collection method: clinical testing. Allele origin: germline.

Sharing Clinical Reports Project (SCRP)
Classification: Uncertain significance for Breast-ovarian cancer, familial 2. Last evaluated: 2012-05-01. Review status: no assertion criteria provided. Collection method: clinical testing. Allele origin: germline. Not counted in ClinVar's aggregate classification.